The following is an entry in ClinVar:

ClinVar aggregate classification (germline): Uncertain significance (1 of 4 stars; one submission).

Submissions (2):

Women's Health and Genetics/Laboratory Corporation of America, LabCorp
Classification: Uncertain significance. Last evaluated: 2022-06-15. Review status: criteria provided, single submitter. Criteria: LabCorp Variant Classification Summary - May 2015. Collection method: clinical testing. Allele origin: germline.
Comment: Variant summary: PPP3CA c.836G>A (p.Arg279Gln) results in a conservative amino acid change located in the ApaH type calcineurin-like phosphoesterase domain (IPR004843) of the encoded protein sequence. Three of five in-silico tools predict a damaging effect of the variant on protein function. The variant was absent in 237212 control chromosomes (gnomAD). The available data on variant occurrences in the general population are insufficient to allow any conclusion about variant significance. To our knowledge, no occurrence of c.836G>A in individuals affected with Epileptic Encephalopathy, Infantile or Early Childhood, 1 and no experimental evidence demonstrating its impact on protein function have been reported. However, two missense changes affecting nearby amino acid residues (H281Q and E282K) are reported in affected individuals (HGMD). In addition, the variant is located in an evolutionarily highly conserved region (Aminode; PMID: 29358731), suggesting that this region might be important for protein function. No clinical diagnostic laboratories have submitted clinical-significance assessments for this variant to ClinVar after 2014. Based on the evidence outlined above, the variant was classified as VUS-possibly pathogenic.

Dr. Peter K. Rogan Lab, Western University
No classification provided (evidence only). Condition: Gastric cancer. Review status: no classification provided. Collection method: in vitro. Allele origin: not applicable. Functional consequence: retained intron. Not counted in ClinVar's aggregate classification.

NM_000944.5(PPP3CA):c.836G>A (p.Arg279Gln)

Gene: PPP3CA (protein phosphatase 3 catalytic subunit alpha; minus strand). Cytogenetic location: 4q24.
Variant type: single nucleotide variant.
Coding change: c.836G>A on transcript NM_000944.5 (MANE Select); coding-DNA position 836, G replaced by A.
Protein change: p.Arg279Gln; replaces arginine 279 with glutamine.
Molecular consequence: missense variant.
Genome position (GRCh38, 1-based): chr4:101,083,210, C>T on the plus strand (G>A on the coding strand, the complement: PPP3CA is on the minus strand). VCF-style: chr4-101083210-C-T. GRCh37 (hg19) VCF-style: chr4-102004367-C-T.
Other names: NC_000004.11:g.102004367C>T; c.836G>A, p.Arg279Gln (NM_001130691.2, NM_001130692.2); short protein forms R279Q.
Identifiers: ClinVar variation 1698565 (VCV001698565.2), dbSNP rs2110240857, ClinGen allele CA357948429.